The following is an entry in ClinVar:

NM_000088.4(COL1A1):c.3479G>A (p.Gly1160Asp)

Gene: COL1A1 (collagen type I alpha 1 chain; minus strand). Cytogenetic location: 17q21.33.
Variant type: single nucleotide variant.
Coding change: c.3479G>A on transcript NM_000088.4 (MANE Select); coding-DNA position 3479, G replaced by A.
Protein change: p.Gly1160Asp; replaces glycine 1160 with aspartic acid.
Molecular consequence: missense variant.
Genome position (GRCh38, 1-based): chr17:50,187,067, C>T on the plus strand (G>A on the coding strand, the complement: COL1A1 is on the minus strand). VCF-style: chr17-50187067-C-T. GRCh37 (hg19) VCF-style: chr17-48264428-C-T.
Other names: short protein forms G1160D.
Identifiers: ClinVar variation 265680 (VCV000265680.10), dbSNP rs886039726, ClinGen allele CA10588662.

ClinVar aggregate classification (germline): Pathogenic/Likely pathogenic. Review status: criteria provided, multiple submitters, no conflicts (2 of 4 stars). 2 submissions from 2 submitters: Pathogenic (1); Likely pathogenic (1). Last evaluated 2023-07-05.

Submissions (2):

GeneDx
Classification: Pathogenic. Last evaluated: 2023-07-05. Review status: criteria provided, single submitter. Criteria: GeneDx Variant Classification Process June 2021. Collection method: clinical testing. Allele origin: germline. Affected: yes.
Comment: Occurs in the triple helical domain and replaces a glycine in a canonical Gly-X-Y repeat; missense substitution of a canonical glycine residue is expected to disrupt normal protein folding and function, and this is an established mechanism of disease (Jovanovic et al., 2021); In silico analysis supports that this missense variant has a deleterious effect on protein structure/function; Not observed at significant frequency in large population cohorts (gnomAD); Has not been previously published as pathogenic or benign to our knowledge; This variant is associated with the following publications: (PMID: 34007986)

ARUP Laboratories, Molecular Genetics and Genomics, ARUP Laboratories
Classification: Likely pathogenic. Last evaluated: 2017-05-01. Review status: criteria provided, single submitter. Criteria: ARUP Molecular Germline Variant Investigation Process. Collection method: clinical testing. Allele origin: germline.
Comment: The p.Gly1160Asp variant has not been reported in the medical literature nor has it been previously identified by our laboratory. It has been reported to ClinVar (Variation ID 265680). The p.Gly1160Asp variant is absent from general population databases such as 1000 Genomes, NHLBI GO Exome Sequencing Project (ESP) , the Exome Aggregation Consortium (ExAC) browser and the Genome Aggregation Database (gnomAD) browser. This variant disrupts the repeating Gly-X-Y sequence motif of the collagen triple helix and is predicted to impair collagen function (Ben Amor 2011). Altogether, the p.Gly1160Asp variant has been classified as likely pathogenic.